The following is an entry in ClinVar:

ClinVar aggregate classification (germline): Uncertain significance (1 of 4 stars; one submission).

Submission:

Ambry Genetics
Classification: Uncertain significance. Last evaluated: 2021-11-29. Review status: criteria provided, single submitter. Criteria: Ambry Variant Classification Scheme 2023. Collection method: clinical testing. Allele origin: germline.
Comment: The p.P174S variant (also known as c.520C>T), located in coding exon 5 of the STAP1 gene, results from a C to T substitution at nucleotide position 520. The proline at codon 174 is replaced by serine, an amino acid with similar properties. This amino acid position is conserved. In addition, this alteration is predicted to be tolerated by in silico analysis. Since supporting evidence is limited at this time, the clinical significance of this alteration remains unclear.

NM_012108.4(STAP1):c.520C>T (p.Pro174Ser)

Gene: STAP1 (signal transducing adaptor family member 1; plus strand). Cytogenetic location: 4q13.2.
Variant type: single nucleotide variant.
Coding change: c.520C>T on transcript NM_012108.4 (MANE Select); coding-DNA position 520, C replaced by T.
Protein change: p.Pro174Ser; replaces proline 174 with serine.
Molecular consequence: missense variant.
Genome position (GRCh38, 1-based): chr4:67,581,461, C>T. VCF-style: chr4-67581461-C-T. GRCh37 (hg19) VCF-style: chr4-68447179-C-T.
Other names: c.520C>T, p.Pro174Ser (NM_001317769.2); short protein forms P174S.
Identifiers: ClinVar variation 1746089 (VCV001746089.2), dbSNP rs189780620, ClinGen allele CA357052004.